The following is an entry in ClinVar:

ClinVar aggregate classification (germline): Conflicting classifications of pathogenicity. Review status: criteria provided, conflicting classifications (1 of 4 stars). 2 submissions from 2 submitters: Uncertain significance (1); Likely benign (1). Last evaluated 2023-08-15.

Conditions:
Malignant hyperthermia, susceptibility to, 5 (MHS5). Also called: CACNA1S-Related Malignant Hyperthermia Susceptibility. Identifiers: Orphanet 423, MedGen C1866077, MONDO:0011163, OMIM 601887.
Hypokalemic periodic paralysis, type 1. Also called: HypoPP; Hypokalemic Periodic Paralysis Type 1 (AD). Identifiers: Orphanet 681, MedGen C3714580, MONDO:0042979, OMIM 170400.

gnomAD v4.1: 5 of 1,614,180 alleles (0.00031%); highest among the groups gnomAD compares: East Asian, 0.0067%; 1 homozygote.

Submissions (2):

All of Us Research Program, National Institutes of Health
Classification: Uncertain significance for Malignant hyperthermia, susceptibility to, 5. Last evaluated: 2023-08-15. Review status: criteria provided, single submitter. Criteria: ACMG Guidelines, 2015. Collection method: clinical testing. Allele origin: germline. Inheritance: Autosomal dominant inheritance. Observed: 1 variant allele, 1 heterozygote.
Comment: This variant is located in the CACNA1S protein. To our knowledge, functional studies have not been reported for this variant. This variant has not been reported in individuals affected with CACNA1S-related disorders in the literature. This variant has not been identified in the general population by the Genome Aggregation Database (gnomAD). The available evidence is insufficient to determine the role of this variant in disease conclusively. Therefore, this variant is classified as a Variant of Uncertain Significance.

This study involves interpretation of variants in research participants for the purpose of population health screening. Participant phenotype was not available at the time of variant classification. Additional details can be found in publication PMID: 35346344, PMCID: PMC8962531

Labcorp Genetics (formerly Invitae), Labcorp
Classification: Likely benign for Hypokalemic periodic paralysis, type 1; Malignant hyperthermia, susceptibility to, 5. Last evaluated: 2022-05-14. Review status: criteria provided, single submitter. Criteria: Invitae Variant Classification Sherloc (09022015). Collection method: clinical testing. Allele origin: germline.

NM_000069.3(CACNA1S):c.1749G>A (p.Gly583=)

Gene: CACNA1S (calcium voltage-gated channel subunit alpha1 S; minus strand). Cytogenetic location: 1q32.1.
Variant type: single nucleotide variant.
Coding change: c.1749G>A on transcript NM_000069.3 (MANE Select); coding-DNA position 1749, G replaced by A.
Protein change: p.Gly583=; no amino-acid change (glycine 583 retained).
Molecular consequence: synonymous variant.
Genome position (GRCh38, 1-based): chr1:201,076,998, C>T on the plus strand (G>A on the coding strand, the complement: CACNA1S is on the minus strand). VCF-style: chr1-201076998-C-T. GRCh37 (hg19) VCF-style: chr1-201046126-C-T.
Identifiers: ClinVar variation 2128955 (VCV002128955.5), dbSNP rs2102142398, ClinGen allele CA422689410.